The following is an entry in ClinVar:

ClinVar aggregate classification (germline): Benign. Review status: criteria provided, single submitter (1 of 4 stars). 2 submissions from 2 submitters: Benign (1). 1 of the submissions does not count toward it. Last evaluated 2024-12-24.

Conditions:
WNK4-related disorder. Also called: WNK4-related condition.

Allele frequency attached by ClinVar (database versions not stated): gnomAD exomes 0.00004; ExAC 0.00015; 1000 Genomes Project 0.00020; 1000 Genomes Project 30x 0.00031; gnomAD 0.00043; TOPMed 0.00048; ESP Exome Variant Server 0.00054.

Submissions (2):

Labcorp Genetics (formerly Invitae), Labcorp
Classification: Benign. Last evaluated: 2024-12-24. Review status: criteria provided, single submitter. Criteria: Invitae Variant Classification Sherloc (09022015). Collection method: clinical testing. Allele origin: germline.

PreventionGenetics, part of Exact Sciences
Classification: Likely benign for WNK4-related condition. Last evaluated: 2019-08-09. Review status: no assertion criteria provided. Collection method: clinical testing. Allele origin: germline. Not counted in ClinVar's aggregate classification.
Comment: This variant is classified as likely benign based on ACMG/AMP sequence variant interpretation guidelines (Richards et al. 2015 PMID: 25741868, with internal and published modifications).

NM_032387.5(WNK4):c.730C>T (p.Leu244=)

Gene: WNK4 (WNK lysine deficient protein kinase 4; plus strand). Cytogenetic location: 17q21.2.
Variant type: single nucleotide variant.
Coding change: c.730C>T on transcript NM_032387.5 (MANE Select); coding-DNA position 730, C replaced by T.
Protein change: p.Leu244=; no amino-acid change (leucine 244 retained).
Molecular consequence: synonymous variant. On other transcripts: 5 prime UTR variant (1).
Genome position (GRCh38, 1-based): chr17:42,782,869, C>T. VCF-style: chr17-42782869-C-T. GRCh37 (hg19) VCF-style: chr17-40934887-C-T.
Other names: c.-190C>T (NM_001321299.2).
Identifiers: ClinVar variation 3035321 (VCV003035321.4), dbSNP rs78232600, ClinGen allele CA8583752.